The following is an entry in ClinVar:

NM_014946.4(SPAST):c.1292G>A (p.Arg431Gln)

Gene: SPAST (spastin; plus strand). Cytogenetic location: 2p22.3.
Variant type: single nucleotide variant.
Coding change: c.1292G>A on transcript NM_014946.4 (MANE Select); coding-DNA position 1292, G replaced by A.
Protein change: p.Arg431Gln; replaces arginine 431 with glutamine.
Molecular consequence: missense variant.
Genome position (GRCh38, 1-based): chr2:32,136,609, G>A. VCF-style: chr2-32136609-G-A. GRCh37 (hg19) VCF-style: chr2-32361678-G-A.
Other names: c.1289G>A, p.Arg430Gln (NM_001363823.2); c.1193G>A, p.Arg398Gln (NM_001363875.2); c.1196G>A, p.Arg399Gln (NM_001377959.1, NM_199436.2); short protein forms R431Q, R430Q, R398Q, R399Q.
Identifiers: ClinVar variation 432722 (VCV000432722.7), dbSNP rs748779010, ClinGen allele CA346502079.
Genomic context (GRCh38, chr2:32,136,609, plus strand): 5'-ATGCTTTGTTTTAGGTGGGAGAAGGAGAGAAATTGGTGAGGGCTCTTTTTGCTGTGGCTC[G>A]AGAACTTCAACCTTCTATAATTTTTATAGGTAAGAACATATTTTCCAACTAAGTTATTGA-3'
Protein context (NP_055761.2, residues 421-441): KLVRALFAVA[Arg431Gln]ELQPSIIFID

ClinVar aggregate classification (germline): Uncertain significance (1 of 4 stars; one submission).

Conditions:
Hereditary spastic paraplegia 4. Also called: Spastic Paraplegia 4; Familial spastic paraplegia autosomal dominant 2; Spastic paraplegia 4, autosomal dominant. Identifiers: Orphanet 100985, MedGen C1866855, MONDO:0008438, OMIM 182601.

Allele frequency attached by ClinVar (database versions not stated): gnomAD exomes 0.00001; TOPMed 0.00001.
gnomAD v4.1: 12 of 1,613,418 alleles (0.00074%); highest among the groups gnomAD compares: Non-Finnish European, 0.00093%; no homozygotes.

Submission:

GeneDx
Classification: Uncertain significance. Last evaluated: 2022-05-11. Review status: criteria provided, single submitter. Criteria: GeneDx Variant Classification Process June 2021. Collection method: clinical testing. Allele origin: germline. Affected: yes.
Comment: Not observed at a significant frequency in large population cohorts (gnomAD); In silico analysis supports that this missense variant has a deleterious effect on protein structure/function; This variant is associated with the following publications: (PMID: 11774073, 20301339, 21139634, 26094131)